The following is an entry in ClinVar:

ClinVar aggregate classification (germline): Uncertain significance (1 of 4 stars; one submission).

Conditions:
Cardiovascular phenotype. Identifiers: MedGen CN230736.

Submission:

Ambry Genetics
Classification: Uncertain significance for Cardiovascular phenotype. Last evaluated: 2025-03-18. Review status: criteria provided, single submitter. Criteria: Ambry Variant Classification Scheme 2023. Collection method: clinical testing. Allele origin: germline.
Comment: The p.S163P variant (also known as c.487T>C), located in coding exon 1 of the MYPN gene, results from a T to C substitution at nucleotide position 487. The serine at codon 163 is replaced by proline, an amino acid with similar properties. This amino acid position is conserved. In addition, the in silico prediction for this alteration is inconclusive. Based on the available evidence, the clinical significance of this variant remains unclear.

NM_032578.4(MYPN):c.487T>C (p.Ser163Pro)

Gene: MYPN (myopalladin; plus strand). Cytogenetic location: 10q21.3.
Variant type: single nucleotide variant.
Coding change: c.487T>C on transcript NM_032578.4 (MANE Select); coding-DNA position 487, T replaced by C.
Protein change: p.Ser163Pro; replaces serine 163 with proline.
Molecular consequence: missense variant. On other transcripts: 5 prime UTR variant (1), non-coding transcript variant (1).
Genome position (GRCh38, 1-based): chr10:68,121,925, T>C. VCF-style: chr10-68121925-T-C. GRCh37 (hg19) VCF-style: chr10-69881682-T-C.
Other names: c.487T>C, p.Ser163Pro (NM_001256267.2); c.-636T>C (NM_001256268.2); short protein forms S163P.
Identifiers: ClinVar variation 3916682 (VCV003916682.1).